The following is an entry in ClinVar:

ClinVar aggregate classification (germline): Uncertain significance. Review status: criteria provided, multiple submitters, no conflicts (2 of 4 stars). 7 submissions from 7 submitters: Uncertain significance (7). Last evaluated 2026-04-15.

Conditions:
Hypercalcemia, infantile, 1 (HCINF1). Identifiers: Orphanet 300547, MedGen CN031131, MONDO:0020739, OMIM 143880.
CYP24A1-related disorder. Also called: CYP24A1-related condition.
Renal tubulopathies.
Inborn genetic diseases. Identifiers: MedGen C0950123, MeSH D030342.

Allele frequency attached by ClinVar (database versions not stated): TOPMed 0.00006; ESP Exome Variant Server 0.00008; gnomAD exomes 0.00008 and 0.00002; ExAC 0.00002; gnomAD 0.00004.
gnomAD v4.1: 116 of 1,613,866 alleles (0.0072%); highest among the groups gnomAD compares: Non-Finnish European, 0.0095%; no homozygotes.

Submissions (7):

Genetics Laboratory, Great Ormond Street Hospital NHS Foundation Trust, North Thames Genomic Laboratory Hub
Classification: Uncertain significance for Renal tubulopathies. Last evaluated: 2026-04-15. Review status: criteria provided, single submitter. Criteria: ACGS Best Practice Guidelines for Variant Classification in Rare Disease 2024 v1.2. Collection method: clinical testing. Allele origin: germline. Affected: yes.
Comment: PM2_moderate, PP3_supporting, PM3_moderate

Labcorp Genetics (formerly Invitae), Labcorp
Classification: Uncertain significance. Last evaluated: 2025-05-04. Review status: criteria provided, single submitter. Criteria: Invitae Variant Classification Sherloc (09022015). Collection method: clinical testing. Allele origin: germline.
Comment: This sequence change replaces tyrosine, which is neutral and polar, with asparagine, which is neutral and polar, at codon 407 of the CYP24A1 protein (p.Tyr407Asn). This variant is present in population databases (rs140189382, gnomAD 0.006%). This missense change has been observed in individual(s) with clinical features of infantile hypercalcemia (PMID: 37853563). ClinVar contains an entry for this variant (Variation ID: 896943). Invitae Evidence Modeling of protein sequence and biophysical properties (such as structural, functional, and spatial information, amino acid conservation, physicochemical variation, residue mobility, and thermodynamic stability) indicates that this missense variant is expected to disrupt CYP24A1 protein function with a positive predictive value of 95%. In summary, the available evidence is currently insufficient to determine the role of this variant in disease. Therefore, it has been classified as a Variant of Uncertain Significance.

Ambry Genetics
Classification: Uncertain significance for Inborn genetic diseases. Last evaluated: 2025-03-05. Review status: criteria provided, single submitter. Criteria: Ambry Variant Classification Scheme 2023. Collection method: clinical testing. Allele origin: germline.

PreventionGenetics, part of Exact Sciences
Classification: Uncertain significance for CYP24A1-related condition. Last evaluated: 2024-10-31. Review status: criteria provided, single submitter. Criteria: ACMG Guidelines, 2015. Collection method: clinical testing. Allele origin: germline.
Comment: The CYP24A1 c.1219T>A variant is predicted to result in the amino acid substitution p.Tyr407Asn. This variant has been observed on the same allele (in cis) with an established pathogenic CYP24A1 frameshift (c.62delC, p.Pro21Argfs*8) in an individual with infantile hypercalcemia who also harbored a second pathogenic variant (p.Leu409Ser) on the opposite allele (Table S1, Sullivan et al. 2024. PubMed ID: 37853563). This variant is reported in 0.0054% of alleles in individuals of European (non-Finnish) descent in gnomAD. At this time, the clinical significance of this variant is uncertain due to the absence of conclusive functional and genetic evidence.

Duke University Health System Sequencing Clinic, Duke University Health System
Classification: Uncertain significance for Hypercalcemia, infantile, 1. Last evaluated: 2023-04-20. Review status: criteria provided, single submitter. Criteria: ACMG Guidelines, 2015. Collection method: research. Allele origin: paternal. Affected: yes.

Fulgent Genetics
Classification: Uncertain significance for Hypercalcemia, infantile, 1. Last evaluated: 2022-05-10. Review status: criteria provided, single submitter. Criteria: ACMG Guidelines, 2015. Collection method: clinical testing. Allele origin: unknown.

Illumina Laboratory Services, Illumina
Classification: Uncertain significance for Hypercalcemia, infantile, 1. Last evaluated: 2017-04-27. Review status: criteria provided, single submitter. Criteria: ICSL Variant Classification Criteria 13 December 2019. Collection method: clinical testing. Allele origin: germline.

Literature cited by the submitters: PubMed 37853563 (cited by Labcorp Genetics (formerly Invitae), Labcorp).

NM_000782.5(CYP24A1):c.1219T>A (p.Tyr407Asn)

Gene: CYP24A1 (cytochrome P450 family 24 subfamily A member 1; minus strand). Cytogenetic location: 20q13.2.
Variant type: single nucleotide variant.
Coding change: c.1219T>A on transcript NM_000782.5 (MANE Select); coding-DNA position 1219, T replaced by A.
Protein change: p.Tyr407Asn; replaces tyrosine 407 with asparagine.
Molecular consequence: missense variant.
Genome position (GRCh38, 1-based): chr20:54,158,103, A>T on the plus strand (T>A on the coding strand, the complement: CYP24A1 is on the minus strand). VCF-style: chr20-54158103-A-T. GRCh37 (hg19) VCF-style: chr20-52774642-A-T.
Other names: c.1219T>A, p.Tyr407Asn (NM_001128915.2); short protein forms Y407N.
Identifiers: ClinVar variation 896943 (VCV000896943.18), dbSNP rs140189382, ClinGen allele CA9915859.
Genomic context (GRCh38, chr20:54,158,103, plus strand): 5'-TTCCAAGGTTTTGTAAGGTATAGAATATACAAATTCTACTTACTCCTTTGGGTAAAGCAT[A>T]TTCACCCAGAACTGTTGCCTTGTCAAGAGTCCGAGTTGTAAATGGTACACTCGGCGTAAG-3'
Protein context (NP_000773.2, residues 397-417): TLDKATVLGE[Tyr407Asn]ALPKGTVLML